The following is an entry in ClinVar:

NM_007294.4(BRCA1):c.5383C>A (p.Leu1795Ile)

Gene: BRCA1 (BRCA1 DNA repair associated; minus strand). Cytogenetic location: 17q21.31.
Variant type: single nucleotide variant.
Coding change: c.5383C>A on transcript NM_007294.4 (MANE Select); coding-DNA position 5383, C replaced by A.
Protein change: p.Leu1795Ile; replaces leucine 1795 with isoleucine.
Molecular consequence: missense variant. On other transcripts: non-coding transcript variant (1), intron variant (1).
Genome position (GRCh38, 1-based): chr17:43,049,144, G>T on the plus strand (C>A on the coding strand, the complement: BRCA1 is on the minus strand). VCF-style: chr17-43049144-G-T. GRCh37 (hg19) VCF-style: chr17-41201161-G-T.
Other names: c.5383C>A, p.Leu1795Ile (NM_001407602.1, NM_001407603.1, NM_001407605.1 and 5 more transcripts); c.5380C>A, p.Leu1794Ile (NM_001407610.1, NM_001407611.1, NM_001407612.1 and 14 more transcripts); c.5377C>A, p.Leu1793Ile (NM_001407629.1, NM_001407630.1, NM_001407631.1 and 13 more transcripts); c.5323C>A, p.Leu1775Ile (NM_001407649.1); c.5305C>A, p.Leu1769Ile (NM_001407652.1, NM_001407653.1, NM_001407654.1 and 1 more transcripts); c.5302C>A, p.Leu1768Ile (NM_001407656.1, NM_001407657.1, NM_001407658.1); c.5299C>A, p.Leu1767Ile (NM_001407659.1, NM_001407660.1, NM_001407661.1 and 2 more transcripts); c.5257C>A, p.Leu1753Ile (NM_001407670.1, NM_001407671.1, NM_001407672.1 and 8 more transcripts); and 73 more; short protein forms L1795I, L1748I, L1816I, L691I, L1666I, L1706I, L1727I, L1769I.
Identifiers: ClinVar variation 628641 (VCV000628641.13), dbSNP rs878854958, ClinGen allele CA10590708.

ClinVar aggregate classification (germline): Conflicting classifications of pathogenicity. Review status: criteria provided, conflicting classifications (1 of 4 stars). 4 submissions from 4 submitters: Uncertain significance (2); Likely benign (2). Last evaluated 2025-06-15.

Conditions:
Hereditary breast ovarian cancer syndrome. Also called: Hereditary breast and ovarian cancer syndrome (HBOC); Hereditary breast and ovarian cancer; BRCA1- and BRCA2-Associated Hereditary Breast and Ovarian Cancer; Breast and ovarian cancer; Hereditary breast and ovarian cancer syndrome; Hereditary breast and/or ovarian cancer syndrome. Identifiers: Orphanet 145, MedGen C0677776, MeSH D061325, MONDO:0003582. Disease mechanism: loss of function.
Breast-ovarian cancer, familial, susceptibility to, 1 (BROVCA1). Also called: OVARIAN CANCER, SUSCEPTIBILITY TO; BRCA1 Hereditary Breast and Ovarian Cancer. Identifiers: Orphanet 145, MedGen C2676676, MONDO:0011450, OMIM 604370. Disease mechanism: loss of function.
Hereditary cancer-predisposing syndrome. Also called: Hereditary neoplastic syndrome; Tumor predisposition; Hereditary Cancer Syndrome; Neoplastic Syndromes, Hereditary. Identifiers: Orphanet 140162, MedGen C0027672, MeSH D009386, MONDO:0015356.

Submissions (5):

Labcorp Genetics (formerly Invitae), Labcorp
Classification: Uncertain significance for Hereditary breast ovarian cancer syndrome. Last evaluated: 2025-06-15. Review status: criteria provided, single submitter. Criteria: Invitae Variant Classification Sherloc (09022015). Collection method: clinical testing. Allele origin: germline.
Comment: This sequence change replaces leucine, which is neutral and non-polar, with isoleucine, which is neutral and non-polar, at codon 1795 of the BRCA1 protein (p.Leu1795Ile). This variant is not present in population databases (gnomAD no frequency). This variant has not been reported in the literature in individuals affected with BRCA1-related conditions. ClinVar contains an entry for this variant (Variation ID: 628641). Invitae Evidence Modeling incorporating data from in vitro experimental studies (PMID: 30209399) indicates that this missense variant is not expected to disrupt BRCA1 function with a negative predictive value of 95%. Experimental studies have shown that this missense change does not substantially affect BRCA1 function (PMID: 30209399). In summary, the available evidence is currently insufficient to determine the role of this variant in disease. Therefore, it has been classified as a Variant of Uncertain Significance.

Ambry Genetics
Classification: Likely benign for Hereditary cancer-predisposing syndrome. Last evaluated: 2025-03-20. Review status: criteria provided, single submitter. Criteria: Ambry Variant Classification Scheme 2023. Collection method: clinical testing. Allele origin: germline.

Lupski Lab, Baylor-Hopkins CMG, Baylor College of Medicine
Classification: Likely benign for Breast-ovarian cancer, familial, susceptibility to, 1. Last evaluated: 2024-04-12. Review status: criteria provided, single submitter. Criteria: Dawood et al. (medRxiv. 2024). Collection method: curation. Allele origin: germline.
Comment: Each variant was annotated with functional scores from MAVE data which was translated into functional evidence codes. All other evidence codes and combining criteria were adhered to as closely as possible based on the ClinGen VCEP (Variant Curation Expert Panel) gene-specific recommendations. See Supplemental Figure 34 of final paper (Supp Fig. 28 in preprint: doi:10.1101/2024.04.11.24305690) for a table to see which lines of evidence we did not have data for. The ClinGen VCEPs are highly regarded as the gold-standard for gene-specific variant curation and are developed after extensive evaluation of the evidence by clinical and scientific experts for the particular gene to classify genomic variants on a spectrum from pathogenic to benign using the 2015 ACMG/AMP Variant Interpretation Guidelines as a backbone (PMID: 25741868). Reclassification of these VUS variants from gnomAD or All of Us focused only on variants originally prescribed as VUS in ClinVar. To ensure reproducibility, transparency, and increased throughput, all the procedures for annotating variants and assigning evidence codes were codified using Python. All code has been made freely available and is linked in the Code Availability section and all reclassified variants with evidence codes used can be found in Tables S18-19 (preprint: doi:10.1101/2024.04.11.24305690). For the MAVE data, the clinical curation and clinical strength assignment as per the ClinGen recommendations in Brnich et al. (2020) (PMID: 31892348) for or against pathogenicity or benignity of each of these MAVE datasets utilized in this study were previously published in Fayer et al. (2021) (PMID: 34793697).In brief, for BRCA1 variants, if a variant was categorized as FUNC (functional), it was assigned BS3 evidence and no PS3 evidence, whereas if it was categorized as LOF (loss of function), the variant was assigned PS3 evidence and no BS3 evidence. Variants categorized as INT (intermediate) were left unannotated. For the BRCA1 combining criteria, greater than or equal to 1 criteria of strong benign evidence was enough to reclassify the VUS as Likely Benign. This variant GRCh38:17:43049144:G>T was assigned evidence codes ['BS3', 'BP4'] and an overall classification of Likely benign

Color Diagnostics, LLC DBA Color Health
Classification: Uncertain significance for Hereditary cancer-predisposing syndrome. Last evaluated: 2019-05-02. Review status: criteria provided, single submitter. Criteria: ACMG Guidelines, 2015. Collection method: clinical testing. Allele origin: germline.

Brotman Baty Institute, University of Washington
No classification provided (evidence only). Condition: Breast-ovarian cancer, familial 1. Review status: no classification provided. Collection method: in vitro. Allele origin: not applicable. Functional consequence: functionally_normal. Not counted in ClinVar's aggregate classification.
ClinVar note: "not provided" was previously submitted as the classification for the variant. However, the classification appeared to be based only on an observation of functional data so it was converted to no classification on 2025-07-30.

Literature cited by the submitters: PubMed 30209399 (cited by Labcorp Genetics (formerly Invitae), Labcorp and Ambry Genetics); PubMed 39142283 (cited by Lupski Lab, Baylor-Hopkins CMG, Baylor College of Medicine); PubMed 34793697 (cited by Lupski Lab, Baylor-Hopkins CMG, Baylor College of Medicine); DOI 10.1101/2024.04.11.24305690 (cited by Lupski Lab, Baylor-Hopkins CMG, Baylor College of Medicine).